The following is an entry in ClinVar:

NM_001166114.2(PNPLA6):c.3041C>T (p.Ala1014Val)

Gene: PNPLA6 (patatin like domain 6, lysophospholipase; plus strand). Cytogenetic location: 19p13.2.
Variant type: single nucleotide variant.
Coding change: c.3041C>T on transcript NM_001166114.2 (MANE Select); coding-DNA position 3041, C replaced by T.
Protein change: p.Ala1014Val; replaces alanine 1014 with valine.
Molecular consequence: missense variant.
Genome position (GRCh38, 1-based): chr19:7,555,711, C>T. VCF-style: chr19-7555711-C-T. GRCh37 (hg19) VCF-style: chr19-7620597-C-T.
Other names: c.3071C>T, p.Ala1024Val (NM_001166111.2); c.2846C>T, p.Ala949Val (NM_001166112.2); c.2927C>T, p.Ala976Val (NM_001166113.1, NM_006702.5); short protein forms A949V, A1024V, A976V, A1014V.
Identifiers: ClinVar variation 2186293 (VCV002186293.2), dbSNP rs761558516, ClinGen allele CA9140302.

ClinVar aggregate classification (germline): Uncertain significance (1 of 4 stars; one submission).

Conditions:
Hereditary spastic paraplegia 39 (SPG39). Also called: Spastic Paraplegia Type 39 (SPG39); SPASTIC PARAPLEGIA 39, AUTOSOMAL RECESSIVE. Identifiers: Orphanet 139480, MedGen C2677586, MONDO:0012787, OMIM 612020.

Allele frequency attached by ClinVar (database versions not stated): TOPMed below 0.00001; ExAC 0.00001; gnomAD 0.00001.
gnomAD v4.1: 3 of 1,613,662 alleles (0.00019%); highest among the groups gnomAD compares: Admixed American, 0.0033%; no homozygotes.

Submission:

Labcorp Genetics (formerly Invitae), Labcorp
Classification: Uncertain significance for Hereditary spastic paraplegia 39. Last evaluated: 2022-07-10. Review status: criteria provided, single submitter. Criteria: Invitae Variant Classification Sherloc (09022015). Collection method: clinical testing. Allele origin: germline.
Comment: In summary, the available evidence is currently insufficient to determine the role of this variant in disease. Therefore, it has been classified as a Variant of Uncertain Significance. Algorithms developed to predict the effect of missense changes on protein structure and function are either unavailable or do not agree on the potential impact of this missense change (SIFT: "Deleterious"; PolyPhen-2: "Probably Damaging"; Align-GVGD: "Class C0"). This variant has not been reported in the literature in individuals affected with PNPLA6-related conditions. This variant is present in population databases (rs761558516, gnomAD 0.007%). This sequence change replaces alanine, which is neutral and non-polar, with valine, which is neutral and non-polar, at codon 976 of the PNPLA6 protein (p.Ala976Val).